The following is an entry in ClinVar:

ClinVar aggregate classification (germline): Conflicting classifications of pathogenicity. Review status: criteria provided, conflicting classifications (1 of 4 stars). 9 submissions from 9 submitters: Uncertain significance (1); Likely benign (8). Last evaluated 2026-04-06.

Conditions:
APC-related disorder. Also called: APC-related condition.
Classic or attenuated familial adenomatous polyposis. Identifiers: MedGen CN372698, MONDO:0021057.
Hereditary cancer-predisposing syndrome. Also called: Neoplastic Syndromes, Hereditary; Tumor predisposition; Hereditary Cancer Syndrome; Hereditary neoplastic syndrome. Identifiers: Orphanet 140162, MedGen C0027672, MeSH D009386, MONDO:0015356.
Desmoid disease, hereditary (DESMD). Also called: FIBROMATOSIS, FAMILIAL INFILTRATIVE. Identifiers: Orphanet 873, MedGen C1851124, OMIM 135290. Disease mechanism: loss of function.
Familial adenomatous polyposis 1 (FAP1). Also called: FAMILIAL ADENOMATOUS POLYPOSIS 1, ATTENUATED; POLYPOSIS, ADENOMATOUS INTESTINAL. Identifiers: MedGen C2713442, MONDO:0021056, OMIM 175100. Disease mechanism: loss of function.

Allele frequency attached by ClinVar (database versions not stated): gnomAD 0.00001 and 0.00003; gnomAD exomes 0.00004 and 0.00010; TOPMed 0.00005; ExAC 0.00009; 1000 Genomes Project 0.00040; 1000 Genomes Project 30x 0.00047.
gnomAD v4.1: 59 of 1,614,012 alleles (0.0037%); highest among the groups gnomAD compares: East Asian, 0.1%; no homozygotes.

Submissions (9):

PreventionGenetics, part of Exact Sciences
Classification: Likely benign for APC-related condition. Last evaluated: 2026-04-06. Review status: criteria provided, single submitter. Criteria: ACMG Guidelines, 2015. Collection method: clinical testing. Allele origin: germline.
Comment: This variant is classified as likely benign based on ACMG/AMP sequence variant interpretation guidelines (Richards et al. 2015 PMID: 25741868, with internal and published modifications).

Labcorp Genetics (formerly Invitae), Labcorp
Classification: Likely benign for Familial adenomatous polyposis 1. Last evaluated: 2026-01-31. Review status: criteria provided, single submitter. Criteria: Invitae Variant Classification Sherloc (09022015). Collection method: clinical testing. Allele origin: germline.

Color Diagnostics, LLC DBA Color Health
Classification: Likely benign for Hereditary cancer-predisposing syndrome. Last evaluated: 2024-09-20. Review status: criteria provided, single submitter. Criteria: ACMG Guidelines, 2015. Collection method: clinical testing. Allele origin: germline.

Myriad Genetics, Inc.
Classification: Likely benign for Familial adenomatous polyposis 1. Last evaluated: 2024-03-01. Review status: criteria provided, single submitter. Criteria: Myriad Autosomal Dominant, Autosomal Recessive and X-Linked Classification Criteria (2023). Collection method: clinical testing. Allele origin: unknown.
Comment: This variant is considered likely benign. This variant has been observed at a population frequency that is significantly greater than expected given the associated disease prevalence and penetrance.

All of Us Research Program, National Institutes of Health
Classification: Likely benign for Classic or attenuated familial adenomatous polyposis. Last evaluated: 2023-11-02. Review status: criteria provided, single submitter. Criteria: ACMG Guidelines, 2015. Collection method: clinical testing. Allele origin: germline. Inheritance: Autosomal dominant inheritance. Observed: 5 variant alleles, 5 heterozygotes.
Comment: This study involves interpretation of variants in research participants for the purpose of population health screening. Participant phenotype was not available at the time of variant classification. Additional details can be found in publication PMID: 35346344, PMCID: PMC8962531

Sema4
Classification: Likely benign for Hereditary cancer-predisposing syndrome. Last evaluated: 2021-09-13. Review status: criteria provided, single submitter. Criteria: Sema4 Curation Guidelines. Collection method: curation. Allele origin: germline.

Department of Pathology and Laboratory Medicine, Sinai Health System
Classification: Uncertain significance for Familial adenomatous polyposis 1; Desmoid disease, hereditary. Last evaluated: 2021-07-13. Review status: criteria provided, single submitter. Criteria: ACMG Guidelines, 2015. Collection method: clinical testing. Allele origin: germline. Affected: yes.

Ambry Genetics
Classification: Likely benign for Hereditary cancer-predisposing syndrome. Last evaluated: 2020-10-30. Review status: criteria provided, single submitter. Criteria: Ambry Variant Classification Scheme 2023. Collection method: clinical testing. Allele origin: germline.

GeneDx
Classification: Likely benign. Last evaluated: 2018-10-18. Review status: criteria provided, single submitter. Criteria: GeneDx Variant Classification Process June 2021. Collection method: clinical testing. Allele origin: germline. Affected: yes.
Comment: This variant is associated with the following publications: (PMID: 29338689, 26976419)

Literature cited by the submitters: PubMed 26976419 (cited by Department of Pathology and Laboratory Medicine, Sinai Health System and Ambry Genetics).

NM_000038.6(APC):c.1276G>T (p.Ala426Ser)

Gene: APC (APC regulator of Wnt signaling pathway; plus strand). Cytogenetic location: 5q22.2.
Variant type: single nucleotide variant.
Coding change: c.1276G>T on transcript NM_000038.6 (MANE Select); coding-DNA position 1276, G replaced by T.
Protein change: p.Ala426Ser; replaces alanine 426 with serine.
Molecular consequence: missense variant.
Genome position (GRCh38, 1-based): chr5:112,819,308, G>T. VCF-style: chr5-112819308-G-T. GRCh37 (hg19) VCF-style: chr5-112155005-G-T.
Other names: c.1276G>T, p.Ala426Ser (NM_001127510.3, NM_001354895.2, NM_001354896.2); c.1222G>T, p.Ala408Ser (NM_001127511.3); c.1306G>T, p.Ala436Ser (NM_001354897.2); c.1201G>T, p.Ala401Ser (NM_001354898.2); c.1192G>T, p.Ala398Ser (NM_001354899.2); c.1099G>T, p.Ala367Ser (NM_001354900.2, NM_001354901.2); c.1003G>T, p.Ala335Ser (NM_001354902.2); c.973G>T, p.Ala325Ser (NM_001354903.2); and 3 more; short protein forms A408S, A426S, A367S, A300S, A325S, A143S, A335S, A398S.
Identifiers: ClinVar variation 230445 (VCV000230445.27), dbSNP rs200598389, ClinGen allele CA026974.